The following is an entry in ClinVar:

NM_000489.6(ATRX):c.2595C>G (p.His865Gln)

Gene: ATRX (ATRX chromatin remodeler; minus strand). Cytogenetic location: Xq21.1.
Variant type: single nucleotide variant.
Coding change: c.2595C>G on transcript NM_000489.6 (MANE Select); coding-DNA position 2595, C replaced by G.
Protein change: p.His865Gln; replaces histidine 865 with glutamine.
Molecular consequence: missense variant.
Genome position (GRCh38, 1-based): chrX:77,682,661, G>C on the plus strand (C>G on the coding strand, the complement: ATRX is on the minus strand). VCF-style: chrX-77682661-G-C. GRCh37 (hg19) VCF-style: chrX-76938153-G-C.
Other names: c.2481C>G, p.His827Gln (NM_138270.5); short protein forms H865Q, H827Q.
Identifiers: ClinVar variation 93134 (VCV000093134.44), dbSNP rs61752455, ClinGen allele CA146681.

ClinVar aggregate classification (germline): Benign/Likely benign. Review status: criteria provided, multiple submitters, no conflicts (2 of 4 stars). 18 submissions from 18 submitters: Benign (11); Likely benign (1). 6 of the submissions do not count toward it. Last evaluated 2026-02-03.

Conditions:
Inborn genetic diseases. Identifiers: MedGen C0950123, MeSH D030342.
Alpha thalassemia-X-linked intellectual disability syndrome (ATRX). Also called: ALPHA-THALASSEMIA/MENTAL RETARDATION SYNDROME, X-LINKED; ATR-X syndrome; Alpha thalassemia mental retardation syndrome, nondeletion type, X-linked; XLMR hypotonic face syndrome; ATR, NONDELETION TYPE; X-linked alpha-thalassemia-mental retardation syndrome. Identifiers: Orphanet 847, MedGen C1845055, MONDO:0010519, OMIM 301040.

Allele frequency attached by ClinVar (database versions not stated): 1000 Genomes Project 30x 0.00146; 1000 Genomes Project 0.00185; TOPMed 0.00752; ESP Exome Variant Server 0.00947.
gnomAD v4.1: 12,799 of 1,206,879 alleles (1.1%); highest among the groups gnomAD compares: Non-Finnish European, 1.3%; 62 homozygotes.

Submissions (18):

Labcorp Genetics (formerly Invitae), Labcorp
Classification: Benign for Alpha thalassemia-X-linked intellectual disability syndrome. Last evaluated: 2026-02-03. Review status: criteria provided, single submitter. Criteria: Invitae Variant Classification Sherloc (09022015). Collection method: clinical testing. Allele origin: germline.

Blueprint Genetics
Classification: Likely benign. Last evaluated: 2024-11-27. Review status: criteria provided, single submitter. Criteria: ACMG Guidelines, 2015. Collection method: clinical testing. Allele origin: germline.

ARUP Laboratories, Molecular Genetics and Genomics, ARUP Laboratories
Classification: Benign. Last evaluated: 2023-10-19. Review status: criteria provided, single submitter. Criteria: ARUP Molecular Germline Variant Investigation Process 2024. Collection method: clinical testing. Allele origin: germline.

Mayo Clinic Laboratories, Mayo Clinic
Classification: Benign. Last evaluated: 2019-01-31. Review status: criteria provided, single submitter. Criteria: ACMG Guidelines, 2015. Collection method: clinical testing. Allele origin: germline. Observed: 5 variant alleles.

Center for Pediatric Genomic Medicine, Children's Mercy Hospital and Clinics
Classification: Benign. Last evaluated: 2017-03-07. Review status: criteria provided, single submitter. Criteria: ACMG Guidelines, 2015. Collection method: clinical testing. Allele origin: germline.

Athena Diagnostics
Classification: Benign. Last evaluated: 2016-06-21. Review status: criteria provided, single submitter. Criteria: Athena Diagnostics Criteria. Collection method: clinical testing. Allele origin: germline.

Ambry Genetics
Classification: Benign for Inborn genetic diseases. Last evaluated: 2015-09-23. Review status: criteria provided, single submitter. Criteria: Ambry Variant Classification Scheme 2023. Collection method: clinical testing. Allele origin: germline.

GeneDx
Classification: Benign. Last evaluated: 2015-03-03. Review status: criteria provided, single submitter. Criteria: GeneDx Variant Classification Process June 2021. Collection method: clinical testing. Allele origin: germline. Affected: yes.
Comment: This variant is associated with the following publications: (PMID: 30668521)

Genetic Services Laboratory, University of Chicago
Classification: Benign for AllHighlyPenetrant. Last evaluated: 2014-03-31. Review status: criteria provided, single submitter. Criteria: ACMG Guidelines, 2007. Collection method: clinical testing. Allele origin: germline. Inheritance: X-linked inheritance.

Eurofins Ntd Llc (ga)
Classification: Benign. Last evaluated: 2013-05-28. Review status: criteria provided, single submitter. Criteria: EGL Classification Definitions 2015. Collection method: clinical testing. Allele origin: germline. Observed: 1 variant allele, 1 hemizygote.

Breakthrough Genomics
Classification: Benign. Review status: criteria provided, single submitter. Criteria: ACMG Guidelines, 2015. Collection method: not provided. Allele origin: germline. Inheritance: X-linked inheritance. Affected: yes.

PreventionGenetics, part of Exact Sciences
Classification: Benign. Review status: criteria provided, single submitter. Criteria: ACMG Guidelines, 2015. Collection method: clinical testing. Allele origin: germline.

Natera, Inc.
Classification: Benign for X-linked alpha-thalassemia-mental retardation syndrome. Last evaluated: 2020-09-16. Review status: no assertion criteria provided. Collection method: clinical testing. Allele origin: germline. Not counted in ClinVar's aggregate classification.

ITMI
No classification provided. Condition: AllHighlyPenetrant. Last evaluated: 2013-09-19. Review status: no classification provided. Collection method: reference population. Allele origin: germline. Not counted in ClinVar's aggregate classification.
Comment: Please see associated publication for description of ethnicities

Clinical Genetics DNA and cytogenetics Diagnostics Lab, Erasmus MC, Erasmus Medical Center
Classification: Benign. Review status: no assertion criteria provided. Collection method: clinical testing. Allele origin: germline. Affected: yes. Study: VKGL Data-share Consensus. Not counted in ClinVar's aggregate classification.

Genome Diagnostics Laboratory, University Medical Center Utrecht
Classification: Likely benign. Review status: no assertion criteria provided. Collection method: clinical testing. Allele origin: germline. Affected: yes. Study: VKGL Data-share Consensus. Not counted in ClinVar's aggregate classification.

Joint Genome Diagnostic Labs from Nijmegen and Maastricht, Radboudumc and MUMC+
Classification: Benign. Review status: no assertion criteria provided. Collection method: clinical testing. Allele origin: germline. Affected: yes. Study: VKGL Data-share Consensus. Not counted in ClinVar's aggregate classification.

Laboratory of Diagnostic Genome Analysis, Leiden University Medical Center (LUMC)
Classification: Benign. Review status: no assertion criteria provided. Collection method: clinical testing. Allele origin: germline. Affected: yes. Study: VKGL Data-share Consensus. Not counted in ClinVar's aggregate classification.

Literature cited by the submitters: PubMed 24728327 (cited by Athena Diagnostics and ITMI).